The following is an entry in ClinVar:

NM_001364905.1(LRBA):c.6735A>T (p.Glu2245Asp)

Gene: LRBA (LPS responsive beige-like anchor protein; minus strand). Cytogenetic location: 4q31.3.
Variant type: single nucleotide variant.
Coding change: c.6735A>T on transcript NM_001364905.1 (MANE Select); coding-DNA position 6735, A replaced by T.
Protein change: p.Glu2245Asp; replaces glutamic acid 2245 with aspartic acid.
Molecular consequence: missense variant.
Genome position (GRCh38, 1-based): chr4:150,467,718, T>A on the plus strand (A>T on the coding strand, the complement: LRBA is on the minus strand). VCF-style: chr4-150467718-T-A. GRCh37 (hg19) VCF-style: chr4-151388870-T-A.
Other names: c.6735A>T, p.Glu2245Asp (NM_001199282.3, NM_001367550.1); c.6768A>T, p.Glu2256Asp (NM_006726.5); short protein forms E2245D, E2256D.
Identifiers: ClinVar variation 3027084 (VCV003027084.22), dbSNP rs560922131, ClinGen allele CA358605552.

ClinVar aggregate classification (germline): Uncertain significance (1 of 4 stars; one submission).

Allele frequency attached by ClinVar (database versions not stated): gnomAD exomes below 0.00001.
gnomAD v4.1: 1 of 1,610,036 alleles (0.000062%); highest among the groups gnomAD compares: Non-Finnish European, 0.000085%; no homozygotes.

Submission:

CeGaT Center for Human Genetics Tuebingen
Classification: Uncertain significance. Last evaluated: 2024-02-01. Review status: criteria provided, single submitter. Criteria: CeGaT Center For Human Genetics Tuebingen Variant Classification Criteria Version 2. Collection method: clinical testing. Allele origin: germline. Affected: yes. Observed: 1 variant allele.
Comment: LRBA: PM2